The following is an entry in ClinVar:

ClinVar aggregate classification (germline): Uncertain significance. Review status: criteria provided, multiple submitters, no conflicts (2 of 4 stars). 3 submissions from 3 submitters: Uncertain significance (3). Last evaluated 2024-03-06.

Conditions:
Landau-Kleffner syndrome (FESD). Also called: EPILEPSY, FOCAL, WITH SPEECH DISORDER AND WITH OR WITHOUT MENTAL RETARDATION; APHASIA, ACQUIRED, WITH EPILEPSY. Identifiers: Orphanet 1945, Orphanet 725, Orphanet 98818, MedGen C0282512, MONDO:0009509, OMIM 245570.

gnomAD v4.1: 1 of 1,614,148 alleles (0.000062%); highest among the groups gnomAD compares: Non-Finnish European, 0.000085%; no homozygotes.

Submissions (3):

Women's Health and Genetics/Laboratory Corporation of America, LabCorp
Classification: Uncertain significance. Last evaluated: 2024-03-06. Review status: criteria provided, single submitter. Criteria: LabCorp Variant Classification Summary - May 2015. Collection method: clinical testing. Allele origin: germline.
Comment: Variant summary: GRIN2A c.586G>T (p.Val196Leu) results in a conservative amino acid change located in the receptor, ligand binding region (IPR001828) of the encoded protein sequence. Four of five in-silico tools predict a benign effect of the variant on protein function. The variant was absent in 250992 control chromosomes. The available data on variant occurrences in the general population are insufficient to allow any conclusion about variant significance. To our knowledge, no occurrence of c.586G>T in individuals affected with Epilepsy, Focal, With Speech Disorder And With Or Without Mental Retardation and no experimental evidence demonstrating its impact on protein function have been reported. ClinVar contains an entry for this variant (Variation ID: 1015431). Based on the evidence outlined above, the variant was classified as uncertain significance.

GeneDx
Classification: Uncertain significance. Last evaluated: 2023-10-29. Review status: criteria provided, single submitter. Criteria: GeneDx Variant Classification Process June 2021. Collection method: clinical testing. Allele origin: germline. Affected: yes.
Comment: Not observed at significant frequency in large population cohorts (gnomAD); In silico analysis supports that this missense variant does not alter protein structure/function; Has not been previously published as pathogenic or benign to our knowledge

Labcorp Genetics (formerly Invitae), Labcorp
Classification: Uncertain significance for Landau-Kleffner syndrome. Last evaluated: 2020-10-10. Review status: criteria provided, single submitter. Criteria: Invitae Variant Classification Sherloc (09022015). Collection method: clinical testing. Allele origin: germline.
Comment: In summary, the available evidence is currently insufficient to determine the role of this variant in disease. Therefore, it has been classified as a Variant of Uncertain Significance. Advanced modeling of protein sequence and biophysical properties (such as structural, functional, and spatial information, amino acid conservation, physicochemical variation, residue mobility, and thermodynamic stability) performed at Invitae indicates that this missense variant is not expected to disrupt GRIN2A protein function. This variant has not been reported in the literature in individuals with GRIN2A-related conditions. This variant is not present in population databases (ExAC no frequency). This sequence change replaces valine with leucine at codon 196 of the GRIN2A protein (p.Val196Leu). The valine residue is moderately conserved and there is a small physicochemical difference between valine and leucine.

NM_001134407.3(GRIN2A):c.586G>T (p.Val196Leu)

Gene: GRIN2A (glutamate ionotropic receptor NMDA type subunit 2A; minus strand). Cytogenetic location: 16p13.2.
Variant type: single nucleotide variant.
Coding change: c.586G>T on transcript NM_001134407.3 (MANE Select); coding-DNA position 586, G replaced by T.
Protein change: p.Val196Leu; replaces valine 196 with leucine.
Molecular consequence: missense variant.
Genome position (GRCh38, 1-based): chr16:9,938,380, C>A on the plus strand (G>T on the coding strand, the complement: GRIN2A is on the minus strand). VCF-style: chr16-9938380-C-A. GRCh37 (hg19) VCF-style: chr16-10032237-C-A.
Other names: c.586G>T, p.Val196Leu (NM_000833.5, NM_001134408.2); c.586G>T (NM_000833.3); short protein forms V196L.
Identifiers: ClinVar variation 1015431 (VCV001015431.12), dbSNP rs901580617, ClinGen allele CA278194587.